The following is an entry in ClinVar:

ClinVar aggregate classification (germline): Uncertain significance. Review status: criteria provided, multiple submitters, no conflicts (2 of 4 stars). 2 submissions from 2 submitters: Uncertain significance (2). Last evaluated 2023-09-23.

gnomAD v4.1: 3 of 1,211,923 alleles (0.00025%); highest among the groups gnomAD compares: Non-Finnish European, 0.00033%; no homozygotes.

Submissions (2):

Labcorp Genetics (formerly Invitae), Labcorp
Classification: Uncertain significance. Last evaluated: 2023-09-23. Review status: criteria provided, single submitter. Criteria: Invitae Variant Classification Sherloc (09022015). Collection method: clinical testing. Allele origin: germline.
Comment: This variant is not present in population databases (gnomAD no frequency). In summary, the available evidence is currently insufficient to determine the role of this variant in disease. Therefore, it has been classified as a Variant of Uncertain Significance. An algorithm developed to predict the effect of missense changes on protein structure and function (PolyPhen-2) suggests that this variant is likely to be disruptive. ClinVar contains an entry for this variant (Variation ID: 1306732). This variant has not been reported in the literature in individuals affected with NEXMIF-related conditions. This sequence change replaces tyrosine, which is neutral and polar, with serine, which is neutral and polar, at codon 885 of the NEXMIF protein (p.Tyr885Ser).

GeneDx
Classification: Uncertain significance. Last evaluated: 2019-06-28. Review status: criteria provided, single submitter. Criteria: GeneDx Variant Classification Process June 2021. Collection method: clinical testing. Allele origin: germline. Affected: yes.
Comment: Not observed in large population cohorts (Lek et al., 2016); In silico analysis, which includes protein predictors and evolutionary conservation, supports that this variant does not alter protein structure/function; Has not been previously published as pathogenic or benign to our knowledge

NM_001008537.3(NEXMIF):c.2654A>C (p.Tyr885Ser)

Gene: NEXMIF (neurite extension and migration factor; minus strand). Cytogenetic location: Xq13.3.
Variant type: single nucleotide variant.
Coding change: c.2654A>C on transcript NM_001008537.3 (MANE Select); coding-DNA position 2654, A replaced by C.
Protein change: p.Tyr885Ser; replaces tyrosine 885 with serine.
Molecular consequence: missense variant.
Genome position (GRCh38, 1-based): chrX:74,741,903, T>G on the plus strand (A>C on the coding strand, the complement: NEXMIF is on the minus strand). VCF-style: chrX-74741903-T-G. GRCh37 (hg19) VCF-style: chrX-73961738-T-G.
Other names: short protein forms Y885S.
Identifiers: ClinVar variation 1306732 (VCV001306732.5), dbSNP rs1276495540, ClinGen allele CA413667734.